The following is an entry in ClinVar:

NM_014714.4(IFT140):c.3788C>T (p.Pro1263Leu)

Gene: IFT140 (intraflagellar transport 140; minus strand). Cytogenetic location: 16p13.3.
Variant type: single nucleotide variant.
Coding change: c.3788C>T on transcript NM_014714.4 (MANE Select); coding-DNA position 3788, C replaced by T.
Protein change: p.Pro1263Leu; replaces proline 1263 with leucine.
Molecular consequence: missense variant.
Genome position (GRCh38, 1-based): chr16:1,520,216, G>A on the plus strand (C>T on the coding strand, the complement: IFT140 is on the minus strand). VCF-style: chr16-1520216-G-A. GRCh37 (hg19) VCF-style: chr16-1570217-G-A.
Other names: short protein forms P1263L.
Identifiers: ClinVar variation 317996 (VCV000317996.15), dbSNP rs775044452, ClinGen allele CA7813038.

ClinVar aggregate classification (germline): Conflicting classifications of pathogenicity. Review status: criteria provided, conflicting classifications (1 of 4 stars). 4 submissions from 4 submitters: Likely pathogenic (1); Uncertain significance (3). Last evaluated 2025-11-12.

Conditions:
Retinitis pigmentosa 80 (RP80). Identifiers: MedGen C4540439, MONDO:0054708, OMIM 617781.
Saldino-Mainzer syndrome (SRTD9). Also called: short-rib thoracic dysplasia 9 with or without polydactyly; CONORENAL SYNDROME; Renal dysplasia, retinal pigmentary dystrophy, cerebellar ataxia and skeletal dysplasia; SHORT-RIB THORACIC DYSPLASIA 9 WITHOUT POLYDACTYLY. Identifiers: Orphanet 140969, MedGen C1849437, MONDO:0009964, OMIM 266920.

Allele frequency attached by ClinVar (database versions not stated): ExAC 0.00001; gnomAD 0.00001; gnomAD exomes 0.00001; TOPMed 0.00001.
gnomAD v4.1: 13 of 1,614,066 alleles (0.00081%); highest among the groups gnomAD compares: South Asian, 0.0011%; no homozygotes.

Submissions (4):

Labcorp Genetics (formerly Invitae), Labcorp
Classification: Uncertain significance for Saldino-Mainzer syndrome. Last evaluated: 2025-11-12. Review status: criteria provided, single submitter. Criteria: Invitae Variant Classification Sherloc (09022015). Collection method: clinical testing. Allele origin: germline.
Comment: This sequence change replaces proline, which is neutral and non-polar, with leucine, which is neutral and non-polar, at codon 1263 of the IFT140 protein (p.Pro1263Leu). This variant is present in population databases (rs775044452, gnomAD 0.003%). This missense change has been observed in individual(s) with retinitis pigmentosa (PMID: 28512305). ClinVar contains an entry for this variant (Variation ID: 317996). Invitae Evidence Modeling of protein sequence and biophysical properties (such as structural, functional, and spatial information, amino acid conservation, physicochemical variation, residue mobility, and thermodynamic stability) has been performed for this missense variant. However, the output from this modeling did not meet the statistical confidence thresholds required to predict the impact of this variant on IFT140 protein function. In summary, the available evidence is currently insufficient to determine the role of this variant in disease. Therefore, it has been classified as a Variant of Uncertain Significance.

Blueprint Genetics
Classification: Uncertain significance. Last evaluated: 2024-04-09. Review status: criteria provided, single submitter. Criteria: ACMG Guidelines, 2015. Collection method: clinical testing. Allele origin: germline.

Institute of Human Genetics Munich, TUM University Hospital
Classification: Likely pathogenic for Retinitis pigmentosa 80. Last evaluated: 2023-01-05. Review status: criteria provided, single submitter. Criteria: Classification criteria August 2017. Collection method: clinical testing. Allele origin: maternal. Inheritance: Autosomal recessive inheritance. Affected: yes. Observed: 1 variant allele.

Illumina Laboratory Services, Illumina
Classification: Uncertain significance for Saldino-Mainzer syndrome. Last evaluated: 2018-01-12. Review status: criteria provided, single submitter. Criteria: ICSL Variant Classification Criteria 13 December 2019. Collection method: clinical testing. Allele origin: germline.

Literature cited by the submitters: PubMed 28512305 (cited by Labcorp Genetics (formerly Invitae), Labcorp).